The following is an entry in ClinVar:

NM_001374828.1(ARID1B):c.5914C>G (p.Pro1972Ala)

Gene: ARID1B (AT-rich interaction domain 1B; plus strand). Cytogenetic location: 6q25.3.
Variant type: single nucleotide variant.
Coding change: c.5914C>G on transcript NM_001374828.1 (MANE Select); coding-DNA position 5914, C replaced by G.
Protein change: p.Pro1972Ala; replaces proline 1972 with alanine.
Molecular consequence: missense variant.
Genome position (GRCh38, 1-based): chr6:157,206,686, C>G. VCF-style: chr6-157206686-C-G. GRCh37 (hg19) VCF-style: chr6-157527820-C-G.
Other names: c.5665C>G, p.Pro1889Ala (NM_001346813.1); c.3415C>G, p.Pro1139Ala (NM_001363725.2); c.5794C>G, p.Pro1932Ala (NM_001371656.1, NM_001374820.1); c.5755C>G, p.Pro1919Ala (NM_017519.3); c.5545C>G, p.Pro1849Ala (NM_020732.3); c.5332C>G, p.Pro1778Ala (NM_175863.2); short protein forms P1139A, P1778A, P1849A, P1889A, P1919A, P1932A, P1972A.
Identifiers: ClinVar variation 3239562 (VCV003239562.20), dbSNP rs779490460.
Genomic context (GRCh38, chr6:157,206,686, plus strand): 5'-CACATTCAGACTCACTTTGAGAGCAAGATGGAAATTCCTCCTCGCAGGCGCCCACCTCCC[C>G]CCTTAAGCTCCGCAGGTAGAAAGAAAGAGCAAGAAGGCAAAGGCGACTCTGAAGAGCAGC-3'
Protein context (NP_001361757.1, residues 1962-1982): EIPPRRRPPP[Pro1972Ala]LSSAGRKKEQ

ClinVar aggregate classification (germline): Benign/Likely benign. Review status: criteria provided, multiple submitters, no conflicts (2 of 4 stars). 2 submissions from 2 submitters: Benign (1); Likely benign (1). Last evaluated 2025-11-29.

Allele frequency attached by ClinVar (database versions not stated): ExAC 0.00004.

Submissions (2):

Labcorp Genetics (formerly Invitae), Labcorp
Classification: Benign. Last evaluated: 2025-11-29. Review status: criteria provided, single submitter. Criteria: Invitae Variant Classification Sherloc (09022015). Collection method: clinical testing. Allele origin: germline.

CeGaT Center for Human Genetics Tuebingen
Classification: Likely benign. Last evaluated: 2024-05-01. Review status: criteria provided, single submitter. Criteria: CeGaT Center For Human Genetics Tuebingen Variant Classification Criteria Version 2. Collection method: clinical testing. Allele origin: germline. Affected: yes. Observed: 1 variant allele.
Comment: ARID1B: BP4